The following is an entry in ClinVar:

ClinVar aggregate classification (germline): Likely benign. Review status: criteria provided, multiple submitters, no conflicts (2 of 4 stars). 4 submissions from 4 submitters: Likely benign (4). Last evaluated 2025-12-28.

Conditions:
ALG9 congenital disorder of glycosylation (CDG1L). Also called: CONGENITAL DISORDER OF GLYCOSYLATION, TYPE Il; ALG9-CDG; CDG Il. Identifiers: Orphanet 79328, MedGen C2931006, MONDO:0012117, OMIM 608776.

Allele frequency attached by ClinVar (database versions not stated): gnomAD 0.00001 and 0.00002; ExAC 0.00002; gnomAD exomes 0.00002 and 0.00005; TOPMed 0.00003.
gnomAD v4.1: 78 of 1,614,058 alleles (0.0048%); highest among the groups gnomAD compares: Non-Finnish European, 0.0064%; no homozygotes.

Submissions (4):

Labcorp Genetics (formerly Invitae), Labcorp
Classification: Likely benign for ALG9 congenital disorder of glycosylation. Last evaluated: 2025-12-28. Review status: criteria provided, single submitter. Criteria: Invitae Variant Classification Sherloc (09022015). Collection method: clinical testing. Allele origin: germline.

CeGaT Center for Human Genetics Tuebingen
Classification: Likely benign. Last evaluated: 2025-09-01. Review status: criteria provided, single submitter. Criteria: CeGaT Center For Human Genetics Tuebingen Variant Classification Criteria Version 2. Collection method: clinical testing. Allele origin: germline. Affected: yes. Observed: 1 variant allele.
Comment: ATP6V0A2: BP4, BP7

Women's Health and Genetics/Laboratory Corporation of America, LabCorp
Classification: Likely benign. Last evaluated: 2024-03-01. Review status: criteria provided, single submitter. Criteria: LabCorp Variant Classification Summary - May 2015. Collection method: clinical testing. Allele origin: germline.

GeneDx
Classification: Likely benign. Last evaluated: 2021-01-12. Review status: criteria provided, single submitter. Criteria: GeneDx Variant Classification Process June 2021. Collection method: clinical testing. Allele origin: germline. Affected: yes.

NM_012463.4(ATP6V0A2):c.2244C>A (p.Ser748=)

Gene: ATP6V0A2 (ATPase H+ transporting V0 subunit a2; plus strand). Cytogenetic location: 12q24.31.
Variant type: single nucleotide variant.
Coding change: c.2244C>A on transcript NM_012463.4 (MANE Select); coding-DNA position 2244, C replaced by A.
Protein change: p.Ser748=; no amino-acid change (serine 748 retained).
Molecular consequence: synonymous variant.
Genome position (GRCh38, 1-based): chr12:123,754,488, C>A. VCF-style: chr12-123754488-C-A. GRCh37 (hg19) VCF-style: chr12-124239035-C-A.
Identifiers: ClinVar variation 1218866 (VCV001218866.17), dbSNP rs759226841, ClinGen allele CA6862181.
Genomic context (GRCh38, chr12:123,754,488, plus strand): 5'-TGGAGAAATATTAATGACCCAAGTAATCCATTCCATCGAGTACTGTCTGGGATGCATCTC[C>A]AACACCGCCTCCTACCTGAGGCTCTGGGCGCTTAGCCTGGCTCACGCACGTAAGTTCCTG-3'
Protein context (NP_036595.2, residues 738-758): HSIEYCLGCI[Ser748=]NTASYLRLWA